The following is an entry in ClinVar:

ClinVar aggregate classification (germline): Uncertain significance (1 of 4 stars; one submission).

Submission:

Women's Health and Genetics/Laboratory Corporation of America, LabCorp
Classification: Uncertain significance. Last evaluated: 2024-12-11. Review status: criteria provided, single submitter. Criteria: LabCorp Variant Classification Summary - May 2015. Collection method: clinical testing. Allele origin: germline.
Comment: Variant summary: DYSF c.5092C>T (p.Pro1698Ser) results in a non-conservative amino acid change located in the Ferlin dsRNA-binding domain-like domain (IPR055072) of the encoded protein sequence. Four of five in-silico tools predict a damaging effect of the variant on protein function. The variant was absent in 251222 control chromosomes. The available data on variant occurrences in the general population are insufficient to allow any conclusion about variant significance. c.5092C>T has been reported in the literature in at least one individual affected with Limb-Girdle Muscular Dystrophy, Autosomal Recessive (Nashi_2023). These data do not allow any conclusion about variant significance. To our knowledge, no experimental evidence demonstrating an impact on protein function has been reported. The following publication has been ascertained in the context of this evaluation (PMID: 36580222). No submitters have cited clinical-significance assessments for this variant to ClinVar. Based on the evidence outlined above, the variant was classified as uncertain significance.

Literature cited by the submitters: PubMed 36580222.

NM_001130987.2(DYSF):c.5209C>T (p.Pro1737Ser)

Gene: DYSF (dysferlin; plus strand). Cytogenetic location: 2p13.2.
Variant type: single nucleotide variant.
Coding change: c.5209C>T on transcript NM_001130987.2 (MANE Select); coding-DNA position 5209, C replaced by T.
Protein change: p.Pro1737Ser; replaces proline 1737 with serine.
Molecular consequence: missense variant.
Genome position (GRCh38, 1-based): chr2:71,665,196, C>T. VCF-style: chr2-71665196-C-T. GRCh37 (hg19) VCF-style: chr2-71892326-C-T.
Other names: c.5095C>T, p.Pro1699Ser (NM_001130455.2); c.5050C>T, p.Pro1684Ser (NM_001130976.2); c.5113C>T, p.Pro1705Ser (NM_001130977.2); c.5155C>T, p.Pro1719Ser (NM_001130978.2); c.5185C>T, p.Pro1729Ser (NM_001130979.2); c.5143C>T, p.Pro1715Ser (NM_001130980.2); c.5206C>T, p.Pro1736Ser (NM_001130981.2); c.5188C>T, p.Pro1730Ser (NM_001130982.2); and 5 more; short protein forms P1684S, P1685S, P1698S, P1699S, P1705S, P1706S, P1715S, P1716S.
Identifiers: ClinVar variation 3768114 (VCV003768114.1).